The following is an entry in ClinVar:

ClinVar aggregate classification (germline): Pathogenic (1 of 4 stars; one submission).

Conditions:
Glucose-6-phosphate transport defect (GSD1B). Also called: Glycogen Storage Disease Type Ib; GSD Ib. Identifiers: Orphanet 364, Orphanet 79259, MedGen C0268146, MONDO:0009288, OMIM 232220.

Submission:

Centre for Human Genetics
Classification: Pathogenic for Glucose-6-phosphate transport defect. Last evaluated: 2020-09-20. Review status: criteria provided, single submitter. Criteria: ACMG Guidelines, 2015. Collection method: clinical testing. Allele origin: inherited. Inheritance: Autosomal recessive inheritance. Affected: yes. Observed: 1 variant allele.
Comment: disease causing

NM_001164277.2(SLC37A4):c.945_964del (p.Met315fs)

Gene: SLC37A4 (solute carrier family 37 member 4; minus strand). Cytogenetic location: 11q23.3.
Variant type: Deletion.
Coding change: c.945_964del on transcript NM_001164277.2 (MANE Select); coding-DNA positions 945 to 964, 20 bases deleted (GTACCTCTTCCGGGTAACAG).
Protein change: p.Met315fs; shifts the reading frame from methionine 315.
Molecular consequence: frameshift variant.
Genome position (GRCh38, 1-based): chr11:119,025,987-119,026,006, CTGTTACCCGGAAGAGGTAC deleted on the plus strand (GTACCTCTTCCGGGTAACAG on the coding strand, the reverse complement: SLC37A4 is on the minus strand). VCF-style (leftmost placement, unchanged base first): chr11-119025986-ACTGTTACCCGGAAGAGGTAC-A. GRCh37 (hg19) VCF-style: chr11-118896696-ACTGTTACCCGGAAGAGGTAC-A.
Other names: c.945_964del, p.Met315fs (NM_001164278.2, NM_001164280.2, NM_001467.6); c.726_745del, p.Met242fs (NM_001164279.2); short protein forms M242fs, M315fs.
Identifiers: ClinVar variation 997959 (VCV000997959.1), dbSNP rs1943554287, ClinGen allele CA2003748815.
Genomic context (GRCh38, chr11:119,025,986, plus strand): 5'-TCTCCTTGTGCCCTGCCGTGAGCCAGGCCTTTCTTAATTACCTTGGGGGAGTCACTGGTC[ACTGTTACCCGGAAGAGGTAC>A]ATGGACACTGTCATGCCAGCCATCATGAACAGCAACAGGCCATGGCGAGGGTTCCCGTAG-3'